The following is an entry in ClinVar:

ClinVar aggregate classification (germline): Likely benign (1 of 4 stars; one submission).

gnomAD v4.1: 803 of 1,613,822 alleles (0.05%); highest among the groups gnomAD compares: African/African-American, 0.92%; 3 homozygotes.

Submission:

Women's Health and Genetics/Laboratory Corporation of America, LabCorp
Classification: Likely benign. Last evaluated: 2026-05-06. Review status: criteria provided, single submitter. Criteria: LabCorp Variant Classification Summary - May 2015. Collection method: clinical testing. Allele origin: germline.
Comment: Variant summary: MAN2B2 c.2708G>A (p.Arg903Gln) results in a conservative amino acid change in the encoded protein sequence. Algorithms developed to predict the effect of missense changes on protein structure and function all suggest that this variant is likely to be tolerated. The variant allele was found at a frequency of 0.00061 in 251184 control chromosomes, predominantly at a frequency of 0.0083 within the African or African-American subpopulation in the gnomAD database, including 1 homozygotes. The observed variant frequency within African or African-American control individuals in the gnomAD database exceeds the estimated maximal expected allele frequency for disease-causing variants in MAN2B2. To our knowledge, no occurrence of c.2708G>A in individuals affected with MAN2B2-related conditions and no experimental evidence demonstrating its impact on protein function have been reported. No submitters have cited clinical-significance assessments for this variant to ClinVar. Based on the evidence outlined above, the variant was classified as likely benign.

NM_015274.3(MAN2B2):c.2708G>A (p.Arg903Gln)

Genes: MAN2B2 (mannosidase alpha class 2B member 2; plus strand), MRFAP1-AS1 (MRFAP1 antisense RNA 1; minus strand). Cytogenetic location: 4p16.1.
Variant type: single nucleotide variant.
Coding change: c.2708G>A on transcript NM_015274.3 (MANE Select); coding-DNA position 2708, G replaced by A.
Protein change: p.Arg903Gln; replaces arginine 903 with glutamine.
Molecular consequence: missense variant.
Genome position (GRCh38, 1-based): chr4:6,617,386, G>A. VCF-style: chr4-6617386-G-A. GRCh37 (hg19) VCF-style: chr4-6619113-G-A.
Other names: c.2555G>A, p.Arg852Gln (NM_001292038.2); short protein forms R852Q, R903Q.
Identifiers: ClinVar variation 4688943 (VCV004688943.2).